The following is an entry in ClinVar:

ClinVar aggregate classification (germline): Uncertain significance (1 of 4 stars; one submission).

Submission:

GeneDx
Classification: Uncertain significance. Last evaluated: 2021-04-15. Review status: criteria provided, single submitter. Criteria: GeneDx Variant Classification Process June 2021. Collection method: clinical testing. Allele origin: germline. Affected: yes.
Comment: Not observed in large population cohorts (Lek et al., 2016); Missense variants in this gene are often considered pathogenic (Stenson et al., 2014); In silico analysis supports that this missense variant has a deleterious effect on protein structure/function; Has not been previously published as pathogenic or benign to our knowledge

NM_006306.4(SMC1A):c.2471A>G (p.Glu824Gly)

Gene: SMC1A (structural maintenance of chromosomes 1A; minus strand). Cytogenetic location: Xp11.22.
Variant type: single nucleotide variant.
Coding change: c.2471A>G on transcript NM_006306.4 (MANE Select); coding-DNA position 2471, A replaced by G.
Protein change: p.Glu824Gly; replaces glutamic acid 824 with glycine.
Molecular consequence: missense variant.
Genome position (GRCh38, 1-based): chrX:53,399,680, T>C on the plus strand (A>G on the coding strand, the complement: SMC1A is on the minus strand). VCF-style: chrX-53399680-T-C. GRCh37 (hg19) VCF-style: chrX-53426602-T-C.
Other names: c.2405A>G, p.Glu802Gly (NM_001281463.1); short protein forms E802G, E824G.
Identifiers: ClinVar variation 1314414 (VCV001314414.2), dbSNP rs2146595510, ClinGen allele CA413250590.